The following is an entry in ClinVar:

ClinVar aggregate classification (germline): Uncertain significance (1 of 4 stars; one submission).

Allele frequency attached by ClinVar (database versions not stated): ExAC 0.00001; gnomAD exomes 0.00001; TOPMed 0.00001; gnomAD 0.00002.
gnomAD v4.1: 11 of 1,612,404 alleles (0.00068%); highest among the groups gnomAD compares: Middle Eastern, 0.018%; no homozygotes.

Submission:

Centre of Medical Genetics, University Hospital Muenster
Classification: Uncertain significance. Last evaluated: 2023-04-18. Review status: criteria provided, single submitter. Criteria: ACMG Guidelines, 2015. Collection method: clinical testing. Allele origin: unknown. Affected: yes. Observed: 1 variant allele, 1 heterozygote.
Comment: ACMG categories: PM2,BP1

NM_001386298.1(CIC):c.2996G>A (p.Gly999Glu)

Gene: CIC (capicua transcriptional repressor; plus strand). Cytogenetic location: 19q13.2.
Variant type: single nucleotide variant.
Coding change: c.2996G>A on transcript NM_001386298.1 (MANE Select); coding-DNA position 2996, G replaced by A.
Protein change: p.Gly999Glu; replaces glycine 999 with glutamic acid.
Molecular consequence: missense variant.
Genome position (GRCh38, 1-based): chr19:42,287,057, G>A. VCF-style: chr19-42287057-G-A. GRCh37 (hg19) VCF-style: chr19-42791209-G-A.
Other names: c.2996G>A, p.Gly999Glu (NM_001304815.2, NM_001379480.1, NM_001379482.1 and 1 more transcripts); c.269G>A, p.Gly90Glu (NM_001379484.1, NM_001379485.1, NM_015125.5); short protein forms G90E, G999E.
Identifiers: ClinVar variation 2504143 (VCV002504143.2), dbSNP rs763416532, ClinGen allele CA9471668.